The following is an entry in ClinVar:

ClinVar aggregate classification (germline): Uncertain significance. Review status: criteria provided, multiple submitters, no conflicts (2 of 4 stars). 2 submissions from 2 submitters: Uncertain significance (2). Last evaluated 2025-06-23.

Conditions:
Amyotrophic lateral sclerosis type 21. Also called: VOCAL CORD AND PHARYNGEAL DYSFUNCTION WITH DISTAL MYOPATHY; MYOPATHY, DISTAL, 2. Identifiers: Orphanet 600, Orphanet 803, MedGen C3807521, MONDO:0011632, OMIM 606070.

Allele frequency attached by ClinVar (database versions not stated): gnomAD exomes below 0.00001 and 0.00001; TOPMed 0.00001; gnomAD 0.00002.
gnomAD v4.1: 8 of 1,613,916 alleles (0.0005%); highest among the groups gnomAD compares: African/African-American, 0.0013%; no homozygotes.

Submissions (2):

Labcorp Genetics (formerly Invitae), Labcorp
Classification: Uncertain significance for Amyotrophic lateral sclerosis type 21. Last evaluated: 2025-06-23. Review status: criteria provided, single submitter. Criteria: Invitae Variant Classification Sherloc (09022015). Collection method: clinical testing. Allele origin: germline.
Comment: This sequence change replaces alanine, which is neutral and non-polar, with threonine, which is neutral and polar, at codon 710 of the MATR3 protein (p.Ala710Thr). This variant is present in population databases (no rsID available, gnomAD 0.004%). This variant has not been reported in the literature in individuals affected with MATR3-related conditions. ClinVar contains an entry for this variant (Variation ID: 1163259). Invitae Evidence Modeling of protein sequence and biophysical properties (such as structural, functional, and spatial information, amino acid conservation, physicochemical variation, residue mobility, and thermodynamic stability) indicates that this missense variant is not expected to disrupt MATR3 protein function with a negative predictive value of 80%. In summary, the available evidence is currently insufficient to determine the role of this variant in disease. Therefore, it has been classified as a Variant of Uncertain Significance.

Mayo Clinic Laboratories, Mayo Clinic
Classification: Uncertain significance. Last evaluated: 2020-07-23. Review status: criteria provided, single submitter. Criteria: ACMG Guidelines, 2015. Collection method: clinical testing. Allele origin: germline. Observed: 1 variant allele.

NM_018834.6(MATR3):c.2128G>A (p.Ala710Thr)

Genes: MATR3 (matrin 3; plus strand), LOC126807526 (CDK7 strongly-dependent group 2 enhancer GRCh37_chr5:138657767-138658966; plus strand). Cytogenetic location: 5q31.2.
Variant type: single nucleotide variant.
Coding change: c.2128G>A on transcript NM_018834.6 (MANE Select); coding-DNA position 2128, G replaced by A.
Protein change: p.Ala710Thr; replaces alanine 710 with threonine.
Molecular consequence: missense variant.
Genome position (GRCh38, 1-based): chr5:139,322,947, G>A. VCF-style: chr5-139322947-G-A. GRCh37 (hg19) VCF-style: chr5-138658636-G-A.
Other names: c.2128G>A, p.Ala710Thr (NM_001194954.2, NM_001194955.2, NM_199189.3); c.1264G>A, p.Ala422Thr (NM_001194956.2); c.1114G>A, p.Ala372Thr (NM_001282278.2); short protein forms A372T, A422T, A710T.
Identifiers: ClinVar variation 1163259 (VCV001163259.12), dbSNP rs1314919388, ClinGen allele CA361144986.